The following is an entry in ClinVar:

ClinVar aggregate classification (germline): Pathogenic (1 of 4 stars; one submission).

Submission:

Labcorp Genetics (formerly Invitae), Labcorp
Classification: Pathogenic. Last evaluated: 2025-04-20. Review status: criteria provided, single submitter. Criteria: Invitae Variant Classification Sherloc (09022015). Collection method: clinical testing. Allele origin: germline.
Comment: This sequence change creates a premature translational stop signal (p.Glu733*) in the TANC2 gene. It is expected to result in an absent or disrupted protein product. Loss-of-function variants in TANC2 are known to be pathogenic (PMID: 31616000). This variant is not present in population databases (gnomAD no frequency). This variant has not been reported in the literature in individuals affected with TANC2-related conditions. For these reasons, this variant has been classified as Pathogenic.

Literature cited by the submitters: PubMed 31616000.

NM_001394998.1(TANC2):c.2419G>T (p.Glu807Ter)

Gene: TANC2 (tetratricopeptide repeat, ankyrin repeat and coiled-coil containing 2; plus strand). Cytogenetic location: 17q23.3.
Variant type: single nucleotide variant.
Coding change: c.2419G>T on transcript NM_001394998.1 (MANE Select); coding-DNA position 2419, G replaced by T.
Protein change: p.Glu807Ter; replaces glutamic acid 807 with a stop codon.
Molecular consequence: nonsense.
Genome position (GRCh38, 1-based): chr17:63,355,227, G>T. VCF-style: chr17-63355227-G-T. GRCh37 (hg19) VCF-style: chr17-61432588-G-T.
Other names: c.2197G>T, p.Glu733Ter (NM_001411076.1, NM_025185.4); short protein forms E733*, E807*.
Identifiers: ClinVar variation 4718010 (VCV004718010.1).